The following is an entry in ClinVar:

ClinVar aggregate classification (germline): Likely benign. Review status: criteria provided, multiple submitters, no conflicts (2 of 4 stars). 2 submissions from 2 submitters: Likely benign (2). Last evaluated 2018-06-14.

Allele frequency attached by ClinVar (database versions not stated): 1000 Genomes Project 0.00799; 1000 Genomes Project 30x 0.00859; TOPMed 0.01861; gnomAD 0.02221 and 0.02302; gnomAD exomes 0.02709.
gnomAD v4.1: 21,920 of 840,920 alleles (2.6%); highest among the groups gnomAD compares: Non-Finnish European, 3.4%; 394 homozygotes.

Submissions (2):

GeneDx
Classification: Likely benign. Last evaluated: 2018-06-14. Review status: criteria provided, single submitter. Criteria: GeneDx Variant Classification (06012015). Collection method: clinical testing. Allele origin: germline. Affected: yes.
Comment: This variant is considered likely benign or benign based on one or more of the following criteria: it is a conservative change, it occurs at a poorly conserved position in the protein, it is predicted to be benign by multiple in silico algorithms, and/or has population frequency not consistent with disease.

Breakthrough Genomics
Classification: Likely benign. Review status: criteria provided, single submitter. Criteria: ACMG Guidelines, 2015. Collection method: not provided. Allele origin: germline. Inheritance: Autosomal recessive inheritance. Affected: yes.

NM_000302.4(PLOD1):c.1098-89G>A

Gene: PLOD1 (procollagen-lysine,2-oxoglutarate 5-dioxygenase 1; plus strand). Cytogenetic location: 1p36.22.
Variant type: single nucleotide variant.
Coding change: c.1098-89G>A on transcript NM_000302.4 (MANE Select); 89 bases into the intron before coding-DNA position 1098, G replaced by A.
Molecular consequence: intron variant.
Genome position (GRCh38, 1-based): chr1:11,963,443, G>A. VCF-style: chr1-11963443-G-A. GRCh37 (hg19) VCF-style: chr1-12023500-G-A.
Other names: c.1239-89G>A (NM_001316320.2).
Identifiers: ClinVar variation 679474 (VCV000679474.2), dbSNP rs72641011, ClinGen allele CA18011797.
Genomic context (GRCh38, chr1:11,963,443, plus strand): 5'-GAGTCGGGAGGAACCTTTGAGGCTGCTGGTGTGACCTCTCTAAAGCCCCTTGGCTGATAT[G>A]TGGTGAAGCCAGACTGTGGTCACAGATGTGAGCAGCCACCAGTAGCTCCAGGATCAGGTG-3'